The following is an entry in ClinVar:

NM_001013628.3(DCAF12L2):c.809T>G (p.Phe270Cys)

Gene: DCAF12L2 (DDB1 and CUL4 associated factor 12 like 2; minus strand). Cytogenetic location: Xq25.
Variant type: single nucleotide variant.
Coding change: c.809T>G on transcript NM_001013628.3 (MANE Select); coding-DNA position 809, T replaced by G.
Protein change: p.Phe270Cys; replaces phenylalanine 270 with cysteine.
Molecular consequence: missense variant.
Genome position (GRCh38, 1-based): chrX:126,165,116, A>C on the plus strand (T>G on the coding strand, the complement: DCAF12L2 is on the minus strand). VCF-style: chrX-126165116-A-C. GRCh37 (hg19) VCF-style: chrX-125299099-A-C.
Other names: c.809T>G (NM_001013628.2); short protein forms F270C.
Identifiers: ClinVar variation 2661381 (VCV002661381.25), dbSNP rs200667384, ClinGen allele CA10510760.

ClinVar aggregate classification (germline): Conflicting classifications of pathogenicity. Review status: criteria provided, conflicting classifications (1 of 4 stars). 2 submissions from 2 submitters: Uncertain significance (1); Likely benign (1). Last evaluated 2025-04-01.

Allele frequency attached by ClinVar (database versions not stated): TOPMed 0.00039; gnomAD 0.00040; gnomAD exomes 0.00040; ExAC 0.00057.
gnomAD v4.1: 481 of 1,210,663 alleles (0.04%); highest among the groups gnomAD compares: Non-Finnish European, 0.044%; no homozygotes.

Submissions (2):

Ambry Genetics
Classification: Uncertain significance. Last evaluated: 2025-04-01. Review status: criteria provided, single submitter. Criteria: Ambry Variant Classification Scheme 2023. Collection method: clinical testing. Allele origin: germline.

CeGaT Center for Human Genetics Tuebingen
Classification: Likely benign. Last evaluated: 2022-11-01. Review status: criteria provided, single submitter. Criteria: CeGaT Center For Human Genetics Tuebingen Variant Classification Criteria Version 2. Collection method: clinical testing. Allele origin: germline. Affected: yes. Observed: 1 variant allele.
Comment: DCAF12L2: BS2